The following is an entry in ClinVar:

NM_002976.4(SCN7A):c.4200T>C (p.Tyr1400=)

Gene: SCN7A (sodium voltage-gated channel alpha subunit 7; minus strand). Cytogenetic location: 2q24.3.
Variant type: single nucleotide variant.
Coding change: c.4200T>C on transcript NM_002976.4 (MANE Select); coding-DNA position 4200, T replaced by C.
Protein change: p.Tyr1400=; no amino-acid change (tyrosine 1400 retained).
Molecular consequence: synonymous variant. On other transcripts: non-coding transcript variant (1).
Genome position (GRCh38, 1-based): chr2:166,406,429, A>G on the plus strand (T>C on the coding strand, the complement: SCN7A is on the minus strand). VCF-style: chr2-166406429-A-G. GRCh37 (hg19) VCF-style: chr2-167262939-A-G.
Identifiers: ClinVar variation 3055922 (VCV003055922.2), dbSNP rs33953730, ClinGen allele CA1945088.

ClinVar aggregate classification (germline): Benign (0 of 4 stars; one submission).

Conditions:
SCN7A-related disorder. Also called: SCN7A-related condition.

Allele frequency attached by ClinVar (database versions not stated): 1000 Genomes Project 0.05312; 1000 Genomes Project 30x 0.05418; TOPMed 0.07218; gnomAD 0.07588; ESP Exome Variant Server 0.08204; ExAC 0.08607; gnomAD exomes 0.09263.
gnomAD v4.1: 147,376 of 1,612,920 alleles (9.1%); highest among the groups gnomAD compares: Middle Eastern, 17%; 7,457 homozygotes.

Submission:

PreventionGenetics, part of Exact Sciences
Classification: Benign for SCN7A-related condition. Last evaluated: 2019-11-26. Review status: no assertion criteria provided. Collection method: clinical testing. Allele origin: germline.
Comment: This variant is classified as benign based on ACMG/AMP sequence variant interpretation guidelines (Richards et al. 2015 PMID: 25741868, with internal and published modifications).